The following is an entry in ClinVar:

ClinVar aggregate classification (germline): Pathogenic (1 of 4 stars; one submission).

Submission:

ISCA Site 6
Classification: Pathogenic. Last evaluated: 2011-08-12. Review status: criteria provided, single submitter. Criteria: Kaminsky et al. (Genet Med. 2011). Collection method: clinical testing. Allele origin: paternal, unknown. Affected: yes. Observed: 2 variant alleles.
Comment: Copy number variation identified through the course of routine clinical cytogenomic testing in postnatal populations. Clinical assertions have been curated as described in Kaminsky et al. 2011.

GRCh38/hg38 1q21.1(chr1:145688094-146046645)x1

Genes: ANKRD34A (ankyrin repeat domain 34A; minus strand), ANKRD35 (ankyrin repeat domain 35; minus strand), ANKRD35-DT (ANKRD35 divergent transcript; plus strand), CD160 (CD160 molecule; plus strand), HJV (hemojuvelin BMP co-receptor; minus strand) and 47 more. Cytogenetic location: 1q21.1.
Variant type: copy number loss.
Change: copy number 1 (one copy instead of two) of chr1:145,688,094-146,046,645 (358.6 kb, GRCh38 coordinates, 1-based), cytogenetic band 1q21.1.
Identifiers: ClinVar variation 59867 (VCV000059867.3).